The following is an entry in ClinVar:

NM_174878.3(CLRN1):c.138del (p.Val47fs)

Gene: CLRN1 (clarin 1; minus strand). Cytogenetic location: 3q25.1.
Variant type: Deletion.
Coding change: c.138del on transcript NM_174878.3 (MANE Select); coding-DNA position 138, one base deleted (C; older notation c.138delC).
Protein change: p.Val47fs; shifts the reading frame from valine 47.
Molecular consequence: frameshift variant. On other transcripts: non-coding transcript variant (1).
Genome position (GRCh38, 1-based): chr3:150,972,571, G deleted on the plus strand (C on the coding strand, the reverse complement: CLRN1 is on the minus strand). VCF-style (leftmost placement, unchanged base first): chr3-150972570-CG-C. GRCh37 (hg19) VCF-style: chr3-150690357-CG-C.
Other names: c.138del, p.Val47fs (NM_001195794.1, NM_001256819.2); short protein forms V47fs.
Identifiers: ClinVar variation 2745158 (VCV002745158.4), dbSNP rs2472831238, ClinGen allele CA2697556927.

ClinVar aggregate classification (germline): Pathogenic/Likely pathogenic. Review status: criteria provided, multiple submitters, no conflicts (2 of 4 stars). 2 submissions from 2 submitters: Pathogenic (1); Likely pathogenic (1). Last evaluated 2024-03-13.

Conditions:
Retinitis pigmentosa 61 (RP61). Identifiers: Orphanet 791, MedGen C3280041, MONDO:0013610, OMIM 614180.

Submissions (2):

Baylor Genetics
Classification: Likely pathogenic for Retinitis pigmentosa 61. Last evaluated: 2024-03-13. Review status: criteria provided, single submitter. Criteria: ACMG Guidelines, 2015. Collection method: clinical testing. Allele origin: unknown.

Labcorp Genetics (formerly Invitae), Labcorp
Classification: Pathogenic. Last evaluated: 2023-07-19. Review status: criteria provided, single submitter. Criteria: Invitae Variant Classification Sherloc (09022015). Collection method: clinical testing. Allele origin: germline.
Comment: This sequence change creates a premature translational stop signal (p.Val47Serfs*25) in the CLRN1 gene. It is expected to result in an absent or disrupted protein product. Loss-of-function variants in CLRN1 are known to be pathogenic (PMID: 11524702, 24498627). This variant is not present in population databases (gnomAD no frequency). This variant has not been reported in the literature in individuals affected with CLRN1-related conditions. For these reasons, this variant has been classified as Pathogenic.

Literature cited by the submitters: PubMed 11524702 (cited by Labcorp Genetics (formerly Invitae), Labcorp); PubMed 24498627 (cited by Labcorp Genetics (formerly Invitae), Labcorp).